The following is an entry in ClinVar:

NM_152564.5(VPS13B):c.2539C>A (p.Pro847Thr)

Gene: VPS13B (vacuolar protein sorting 13 homolog B; plus strand). Cytogenetic location: 8q22.2.
Variant type: single nucleotide variant.
Coding change: c.2539C>A on transcript NM_152564.5 (MANE Select); coding-DNA position 2539, C replaced by A.
Protein change: p.Pro847Thr; replaces proline 847 with threonine.
Molecular consequence: missense variant.
Genome position (GRCh38, 1-based): chr8:99,274,221, C>A. VCF-style: chr8-99274221-C-A. GRCh37 (hg19) VCF-style: chr8-100286449-C-A.
Other names: c.2539C>A (NM_152564.4, NM_017890.3); c.2539C>A, p.Pro847Thr (NM_017890.5); short protein forms P847T.
Identifiers: ClinVar variation 624340 (VCV000624340.54), dbSNP rs774142530, ClinGen allele CA4822951.

ClinVar aggregate classification (germline): Uncertain significance. Review status: criteria provided, multiple submitters, no conflicts (2 of 4 stars). 5 submissions from 5 submitters: Uncertain significance (4). 1 of the submissions does not count toward it. Last evaluated 2025-09-28.

Conditions:
Cohen syndrome (COH1). Also called: Cutis verticis gyrata, retinitis pigmentosa, and sensorineural deafness; PEPPER SYNDROME. Identifiers: Orphanet 193, MedGen C0265223, MONDO:0008999, OMIM 216550.
VPS13B-related disorder. Also called: VPS13B-related condition.
Inborn genetic diseases. Identifiers: MedGen C0950123, MeSH D030342.

Allele frequency attached by ClinVar (database versions not stated): gnomAD 0.00001 and 0.00002; TOPMed 0.00003; ExAC 0.00004.
gnomAD v4.1: 35 of 1,614,108 alleles (0.0022%); highest among the groups gnomAD compares: Non-Finnish European, 0.003%; no homozygotes.

Submissions (5):

Ambry Genetics
Classification: Uncertain significance for Inborn genetic diseases. Last evaluated: 2025-09-28. Review status: criteria provided, single submitter. Criteria: Ambry Variant Classification Scheme 2023. Collection method: clinical testing. Allele origin: germline.

PreventionGenetics, part of Exact Sciences
Classification: Uncertain significance for VPS13B-related condition. Last evaluated: 2025-03-25. Review status: criteria provided, single submitter. Criteria: ACMG Guidelines, 2015. Collection method: clinical testing. Allele origin: germline.
Comment: The VPS13B c.2539C>A variant is predicted to result in the amino acid substitution p.Pro847Thr. To our knowledge, this variant has not been reported in the literature. This variant is reported in 0.0062% of alleles in individuals of European (Non-Finnish) descent in gnomAD. At this time, the clinical significance of this variant is uncertain due to the absence of conclusive functional and genetic evidence.

Labcorp Genetics (formerly Invitae), Labcorp
Classification: Uncertain significance for Cohen syndrome. Last evaluated: 2022-07-31. Review status: criteria provided, single submitter. Criteria: Invitae Variant Classification Sherloc (09022015). Collection method: clinical testing. Allele origin: germline.
Comment: This sequence change replaces proline, which is neutral and non-polar, with threonine, which is neutral and polar, at codon 847 of the VPS13B protein (p.Pro847Thr). This variant is present in population databases (rs774142530, gnomAD 0.006%). This variant has not been reported in the literature in individuals affected with VPS13B-related conditions. ClinVar contains an entry for this variant (Variation ID: 624340). Algorithms developed to predict the effect of missense changes on protein structure and function are either unavailable or do not agree on the potential impact of this missense change (SIFT: "Not Available"; PolyPhen-2: "Possibly Damaging"; Align-GVGD: "Not Available"). In summary, the available evidence is currently insufficient to determine the role of this variant in disease. Therefore, it has been classified as a Variant of Uncertain Significance.

CeGaT Center for Human Genetics Tuebingen
Classification: Uncertain significance. Last evaluated: 2018-04-01. Review status: criteria provided, single submitter. Criteria: CeGaT Center For Human Genetics Tuebingen Variant Classification Criteria Version 2. Collection method: clinical testing. Allele origin: germline. Affected: yes. Observed: 1 variant allele.

Natera, Inc.
Classification: Uncertain significance for Cohen syndrome. Last evaluated: 2019-11-11. Review status: no assertion criteria provided. Collection method: clinical testing. Allele origin: germline. Not counted in ClinVar's aggregate classification.